The following is an entry in ClinVar:

NM_001044.5(SLC6A3):c.1441G>A (p.Gly481Ser)

Gene: SLC6A3 (solute carrier family 6 member 3). Cytogenetic location: 5p15.33.
Variant type: single nucleotide variant.
Coding change: c.1441G>A on transcript NM_001044.5 (MANE Select); coding-DNA position 1441, G replaced by A.
Protein change: p.Gly481Ser; replaces glycine 481 with serine.
Molecular consequence: missense variant.
Genome position (GRCh38, 1-based): chr5:1,409,083, C>T on the plus strand (G>A on the coding strand, the complement: SLC6A3 is on the minus strand). VCF-style: chr5-1409083-C-T. GRCh37 (hg19) VCF-style: chr5-1409198-C-T.
Other names: c.1441G>A (NM_001044.4); short protein forms G481S.
Identifiers: ClinVar variation 2194661 (VCV002194661.6), dbSNP rs758588550, ClinGen allele CA3186034.
Genomic context (GRCh38, chr5:1,409,083, plus strand): 5'-CACCATAGAACCAGGCCACTCCGATGGCTTCGATGAGCACTCCAAAGAGGATGGACGTGC[C>T]GGCTGCAAAATGGTCCAGGAGCGTGAAGACGTAGATGCCACCCTGGAAGAGAGGGGAGCC-3'
Protein context (NP_001035.1, residues 471-491): VFTLLDHFAA[Gly481Ser]TSILFGVLIE

ClinVar aggregate classification (germline): Uncertain significance. Review status: criteria provided, multiple submitters, no conflicts (2 of 4 stars). 2 submissions from 2 submitters: Uncertain significance (2). Last evaluated 2025-06-20.

Conditions:
Inborn genetic diseases. Identifiers: MedGen C0950123, MeSH D030342.
Parkinsonism-dystonia, infantile. Identifiers: Orphanet 238455, MedGen C2751067, MONDO:0013150.

Allele frequency attached by ClinVar (database versions not stated): ExAC 0.00001; gnomAD 0.00001; gnomAD exomes 0.00001; TOPMed 0.00001.

Submissions (2):

Labcorp Genetics (formerly Invitae), Labcorp
Classification: Uncertain significance for Parkinsonism-dystonia, infantile. Last evaluated: 2025-06-20. Review status: criteria provided, single submitter. Criteria: Invitae Variant Classification Sherloc (09022015). Collection method: clinical testing. Allele origin: germline.
Comment: This sequence change replaces glycine, which is neutral and non-polar, with serine, which is neutral and polar, at codon 481 of the SLC6A3 protein (p.Gly481Ser). The frequency data for this variant in the population databases is considered unreliable, as metrics indicate poor data quality at this position in the gnomAD database. This variant has not been reported in the literature in individuals affected with SLC6A3-related conditions. ClinVar contains an entry for this variant (Variation ID: 2194661). Invitae Evidence Modeling of protein sequence and biophysical properties (such as structural, functional, and spatial information, amino acid conservation, physicochemical variation, residue mobility, and thermodynamic stability) indicates that this missense variant is not expected to disrupt SLC6A3 protein function with a negative predictive value of 80%. In summary, the available evidence is currently insufficient to determine the role of this variant in disease. Therefore, it has been classified as a Variant of Uncertain Significance.

Ambry Genetics
Classification: Uncertain significance for Inborn genetic diseases. Last evaluated: 2023-02-28. Review status: criteria provided, single submitter. Criteria: Ambry Variant Classification Scheme 2023. Collection method: clinical testing. Allele origin: germline.